The following is an entry in ClinVar:

ClinVar aggregate classification (germline): Uncertain significance (1 of 4 stars; one submission).

Submission:

Labcorp Genetics (formerly Invitae), Labcorp
Classification: Uncertain significance. Last evaluated: 2022-02-14. Review status: criteria provided, single submitter. Criteria: Invitae Variant Classification Sherloc (09022015). Collection method: clinical testing. Allele origin: germline.
Comment: In summary, the available evidence is currently insufficient to determine the role of this variant in disease. Therefore, it has been classified as a Variant of Uncertain Significance. Algorithms developed to predict the effect of missense changes on protein structure and function (SIFT, PolyPhen-2, Align-GVGD) all suggest that this variant is likely to be tolerated. This variant has not been reported in the literature in individuals affected with SARS2-related conditions. This variant is not present in population databases (gnomAD no frequency). This sequence change replaces methionine, which is neutral and non-polar, with threonine, which is neutral and polar, at codon 191 of the SARS2 protein (p.Met191Thr).

NM_017827.4(SARS2):c.572T>C (p.Met191Thr)

Gene: SARS2 (seryl-tRNA synthetase 2, mitochondrial; minus strand). Cytogenetic location: 19q13.2.
Variant type: single nucleotide variant.
Coding change: c.572T>C on transcript NM_017827.4 (MANE Select); coding-DNA position 572, T replaced by C.
Protein change: p.Met191Thr; replaces methionine 191 with threonine.
Molecular consequence: missense variant.
Genome position (GRCh38, 1-based): chr19:38,921,409, A>G on the plus strand (T>C on the coding strand, the complement: SARS2 is on the minus strand). VCF-style: chr19-38921409-A-G. GRCh37 (hg19) VCF-style: chr19-39412049-A-G.
Other names: c.578T>C, p.Met193Thr (NM_001145901.2); short protein forms M191T, M193T.
Identifiers: ClinVar variation 1928942 (VCV001928942.5), dbSNP rs2513531902, ClinGen allele CA405738145.